The following is an entry in ClinVar:

NM_030662.4(MAP2K2):c.856G>A (p.Gly286Arg)

Gene: MAP2K2 (mitogen-activated protein kinase kinase 2; minus strand). Cytogenetic location: 19p13.3.
Variant type: single nucleotide variant.
Coding change: c.856G>A on transcript NM_030662.4 (MANE Select); coding-DNA position 856, G replaced by A.
Protein change: p.Gly286Arg; replaces glycine 286 with arginine.
Molecular consequence: missense variant.
Genome position (GRCh38, 1-based): chr19:4,099,264, C>T on the plus strand (G>A on the coding strand, the complement: MAP2K2 is on the minus strand). VCF-style: chr19-4099264-C-T. GRCh37 (hg19) VCF-style: chr19-4099262-C-T.
Other names: p.G286R:GGG>AGG; short protein forms G286R.
Identifiers: ClinVar variation 40829 (VCV000040829.34), dbSNP rs730880523, ClinGen allele CA296185.

ClinVar aggregate classification (germline): Conflicting classifications of pathogenicity. Review status: criteria provided, conflicting classifications (1 of 4 stars). 7 submissions from 7 submitters: Uncertain significance (5); Likely benign (2). Last evaluated 2026-01-14.

Conditions:
Cardiovascular phenotype. Identifiers: MedGen CN230736.
Cardiofaciocutaneous syndrome 4 (CFC4). Also called: MAP2K2-Related Cardiofaciocutaneous Syndrome. Identifiers: Orphanet 1340, MedGen C3809007, MONDO:0014114, OMIM 615280.
RASopathy. Also called: rasopathies; Noonan spectrum disorder. Identifiers: Orphanet 536391, MedGen C5555857, MONDO:0021060.

Allele frequency attached by ClinVar (database versions not stated): gnomAD 0.00006; TOPMed 0.00006.
gnomAD v4.1: 140 of 1,605,478 alleles (0.0087%); highest among the groups gnomAD compares: Middle Eastern, 0.016%; no homozygotes.

Submissions (7):

Labcorp Genetics (formerly Invitae), Labcorp
Classification: Uncertain significance for RASopathy. Last evaluated: 2026-01-14. Review status: criteria provided, single submitter. Criteria: Invitae Variant Classification Sherloc (09022015). Collection method: clinical testing. Allele origin: germline.
Comment: This sequence change replaces glycine, which is neutral and non-polar, with arginine, which is basic and polar, at codon 286 of the MAP2K2 protein (p.Gly286Arg). This variant is present in population databases (rs730880523, gnomAD 0.01%). This variant has not been reported in the literature in individuals affected with MAP2K2-related conditions. ClinVar contains an entry for this variant (Variation ID: 40829). Invitae Evidence Modeling incorporating data from in vitro experimental studies (internal data) indicates that this missense variant is not expected to disrupt MAP2K2 function with a negative predictive value of 95%. In summary, the available evidence is currently insufficient to determine the role of this variant in disease. Therefore, it has been classified as a Variant of Uncertain Significance.

Revvity Omics, Revvity
Classification: Uncertain significance for Cardiofaciocutaneous syndrome 4. Last evaluated: 2025-02-21. Review status: criteria provided, single submitter. Criteria: ACMG Guidelines, 2015. Collection method: clinical testing. Allele origin: germline.

Blueprint Genetics
Classification: Likely benign. Last evaluated: 2024-11-26. Review status: criteria provided, single submitter. Criteria: ACMG Guidelines, 2015. Collection method: clinical testing. Allele origin: germline.

CeGaT Center for Human Genetics Tuebingen
Classification: Likely benign. Last evaluated: 2024-04-01. Review status: criteria provided, single submitter. Criteria: CeGaT Center For Human Genetics Tuebingen Variant Classification Criteria Version 2. Collection method: clinical testing. Allele origin: germline. Affected: yes. Observed: 1 variant allele.
Comment: MAP2K2: BS2

Ambry Genetics
Classification: Uncertain significance for Cardiovascular phenotype. Last evaluated: 2023-03-03. Review status: criteria provided, single submitter. Criteria: Ambry Variant Classification Scheme 2023. Collection method: clinical testing. Allele origin: germline.

Department of Pathology and Laboratory Medicine, Sinai Health System
Classification: Uncertain significance for Cardiofaciocutaneous syndrome 4. Last evaluated: 2021-09-18. Review status: criteria provided, single submitter. Criteria: ACMG Guidelines, 2015. Collection method: research. Allele origin: germline.

GeneDx
Classification: Uncertain significance. Last evaluated: 2012-02-03. Review status: criteria provided, single submitter. Criteria: GeneDx Variant Classification (06012015). Collection method: clinical testing. Allele origin: germline. Affected: yes.
Comment: This variant is denoted c.856 G>A at the cDNA level or p.Gly286Arg (G286R) at the protein level. The G286R missense substitution has not been published as a mutation, nor has it been reported as a benign polymorphism to our knowledge. The G286R missense change is a non-conservative substitution with a neutral and non-polar residue (Gly) being replaced by a positively charged and polar residue (Arg). The NHLBI ESP Exome Variant Server reports that Arginine 286 was not observed in approximately 5000 samples from individuals of European and African American backgrounds, indicating it is not a common benign variant in these populations. However, this variant occurs at a position that is only moderately conserved in the protein and not conserved in related proteins. Although the majority of missense variants in MAP2K2 are pathogenic, no disease-causing mutation has been reported after codon 273. The variant is found in NOONAN panel(s).